The following is an entry in ClinVar:

ClinVar aggregate classification (germline): Uncertain significance (1 of 4 stars; one submission).

Submission:

Labcorp Genetics (formerly Invitae), Labcorp
Classification: Uncertain significance. Last evaluated: 2024-11-21. Review status: criteria provided, single submitter. Criteria: Invitae Variant Classification Sherloc (09022015). Collection method: clinical testing. Allele origin: germline.
Comment: This sequence change replaces glycine, which is neutral and non-polar, with cysteine, which is neutral and slightly polar, at codon 19 of the RPS28 protein (p.Gly19Cys). Information on the frequency of this variant in the gnomAD database is not available, as this variant may be reported differently in the database. This variant has not been reported in the literature in individuals affected with RPS28-related conditions. Experimental studies and prediction algorithms are not available or were not evaluated, and the functional significance of this variant is currently unknown. In summary, the available evidence is currently insufficient to determine the role of this variant in disease. Therefore, it has been classified as a Variant of Uncertain Significance.

NM_001031.5(RPS28):c.54_55delinsTT (p.Gly19Cys)

Gene: RPS28 (ribosomal protein S28; plus strand). Cytogenetic location: 19p13.2.
Variant type: Indel.
Coding change: c.54_55delinsTT on transcript NM_001031.5 (MANE Select); coding-DNA positions 54 to 55, GG replaced by TT.
Protein change: p.Gly19Cys; replaces glycine 19 with cysteine.
Molecular consequence: missense variant.
Genome position (GRCh38, 1-based): chr19:8,321,670-8,321,671, GG replaced by TT. VCF-style: chr19-8321670-GG-TT. GRCh37 (hg19) VCF-style: chr19-8386554-GG-TT.
Other names: short protein forms G19C.
Identifiers: ClinVar variation 3719840 (VCV003719840.2).